The following is an entry in ClinVar:

ClinVar aggregate classification (germline): Uncertain significance (1 of 4 stars; one submission).

Conditions:
Myopathy, centronuclear, 2 (CNM2). Also called: MYOTUBULAR MYOPATHY, AUTOSOMAL RECESSIVE. Identifiers: Orphanet 169186, MedGen CN031787, MONDO:0009709, OMIM 255200.

Allele frequency attached by ClinVar (database versions not stated): gnomAD 0.00001; TOPMed 0.00001.
gnomAD v4.1: 6 of 1,551,304 alleles (0.00039%); highest among the groups gnomAD compares: Non-Finnish European, 0.00044%; no homozygotes.

Submission:

Labcorp Genetics (formerly Invitae), Labcorp
Classification: Uncertain significance for Myopathy, centronuclear, 2. Last evaluated: 2024-07-21. Review status: criteria provided, single submitter. Criteria: Invitae Variant Classification Sherloc (09022015). Collection method: clinical testing. Allele origin: germline.
Comment: This sequence change replaces glutamine, which is neutral and polar, with glutamic acid, which is acidic and polar, at codon 387 of the BIN1 protein (p.Gln387Glu). This variant is not present in population databases (gnomAD no frequency). This variant has not been reported in the literature in individuals affected with BIN1-related conditions. An algorithm developed to predict the effect of missense changes on protein structure and function (PolyPhen-2) suggests that this variant is likely to be tolerated. In summary, the available evidence is currently insufficient to determine the role of this variant in disease. Therefore, it has been classified as a Variant of Uncertain Significance.

NM_139343.3(BIN1):c.1159C>G (p.Gln387Glu)

Gene: BIN1 (bridging integrator 1; minus strand). Cytogenetic location: 2q14.3.
Variant type: single nucleotide variant.
Coding change: c.1159C>G on transcript NM_139343.3 (MANE Select); coding-DNA position 1159, C replaced by G.
Protein change: p.Gln387Glu; replaces glutamine 387 with glutamic acid.
Molecular consequence: missense variant. On other transcripts: intron variant (12).
Genome position (GRCh38, 1-based): chr2:127,053,985, G>C on the plus strand (C>G on the coding strand, the complement: BIN1 is on the minus strand). VCF-style: chr2-127053985-G-C. GRCh37 (hg19) VCF-style: chr2-127811561-G-C.
Other names: c.1030C>G, p.Gln344Glu (NM_139344.3); c.838-3073C>G (NM_001320634.1); c.910-3073C>G (NM_139351.3); c.910-2742C>G (NM_139350.3); c.910-1623C>G (NM_139349.3); c.1039-2742C>G (NM_139348.3); c.1039-1623C>G (NM_139347.3); c.955-3073C>G (NM_001320632.2); and 7 more; short protein forms Q344E, Q387E, Q356E, Q360E.
Identifiers: ClinVar variation 2742198 (VCV002742198.3), dbSNP rs1012020905, ClinGen allele CA55340382.
Genomic context (GRCh38, chr2:127,053,985, plus strand): 5'-CCTTCACAGGGCTCGTCACGGGCGGGAGGGGGTCAAAGTCCAGGTCCAGCAGACTGGCCT[G>C]CTCCGAGAAAGGCCCCGGGGCCTCAAACTTGGCAGCAGCAGCAGCAGCAGAGGAGGAAGC-3'
Protein context (NP_647593.1, residues 377-397): QFEAPGPFSE[Gln387Glu]ASLLDLDFDP